The following is an entry in ClinVar:

ClinVar aggregate classification (germline): Uncertain significance (1 of 4 stars; one submission).

Conditions:
EAST syndrome (SESAMES). Also called: SEIZURES, SENSORINEURAL DEAFNESS, ATAXIA, IMPAIRED INTELLECTUAL DEVELOPMENT, AND ELECTROLYTE IMBALANCE. Identifiers: Orphanet 199343, MedGen C2748572, MONDO:0013005, OMIM 612780.

Allele frequency attached by ClinVar (database versions not stated): gnomAD exomes below 0.00001 and 0.00002; TOPMed 0.00002.
gnomAD v4.1: 24 of 1,614,122 alleles (0.0015%); highest among the groups gnomAD compares: Non-Finnish European, 0.0019%; no homozygotes.

Submission:

Labcorp Genetics (formerly Invitae), Labcorp
Classification: Uncertain significance for EAST syndrome. Last evaluated: 2022-01-06. Review status: criteria provided, single submitter. Criteria: Invitae Variant Classification Sherloc (09022015). Collection method: clinical testing. Allele origin: germline.
Comment: In summary, the available evidence is currently insufficient to determine the role of this variant in disease. Therefore, it has been classified as a Variant of Uncertain Significance. Algorithms developed to predict the effect of missense changes on protein structure and function (SIFT, PolyPhen-2, Align-GVGD) all suggest that this variant is likely to be tolerated. ClinVar contains an entry for this variant (Variation ID: 578643). This variant has not been reported in the literature in individuals affected with KCNJ10-related conditions. This variant is present in population databases (no rsID available, gnomAD 0.0009%). This sequence change replaces proline, which is neutral and non-polar, with threonine, which is neutral and polar, at codon 352 of the KCNJ10 protein (p.Pro352Thr).

NM_002241.5(KCNJ10):c.1054C>A (p.Pro352Thr)

Gene: KCNJ10 (potassium inwardly rectifying channel subfamily J member 10; minus strand). Cytogenetic location: 1q23.2.
Variant type: single nucleotide variant.
Coding change: c.1054C>A on transcript NM_002241.5 (MANE Select); coding-DNA position 1054, C replaced by A.
Protein change: p.Pro352Thr; replaces proline 352 with threonine.
Molecular consequence: missense variant.
Genome position (GRCh38, 1-based): chr1:160,041,479, G>T on the plus strand (C>A on the coding strand, the complement: KCNJ10 is on the minus strand). VCF-style: chr1-160041479-G-T. GRCh37 (hg19) VCF-style: chr1-160011269-G-T.
Other names: short protein forms P352T.
Identifiers: ClinVar variation 578643 (VCV000578643.9), dbSNP rs888967595, ClinGen allele CA31470087.